The following is an entry in ClinVar:

ClinVar aggregate classification (germline): Likely benign. Review status: criteria provided, multiple submitters, no conflicts (2 of 4 stars). 3 submissions from 3 submitters: Likely benign (2). 1 of the submissions does not count toward it. Last evaluated 2025-07-25.

Conditions:
NLRP3-related disorder. Also called: NLRP3-related condition; NLRP3-Related Disorders.
Cryopyrin associated periodic syndrome (CAPS). Identifiers: Orphanet 208650, MedGen C2316212, MONDO:0016168.
Familial cold autoinflammatory syndrome 1 (FCAS1). Also called: CRYOPYRIN-ASSOCIATED PERIODIC SYNDROME 1; Familial cold inflammatory syndrome 1. Identifiers: Orphanet 47045, MedGen C4551895, MONDO:0007349, OMIM 120100.

Allele frequency attached by ClinVar (database versions not stated): gnomAD exomes 0.00001; TOPMed 0.00001.

Submissions (3):

Labcorp Genetics (formerly Invitae), Labcorp
Classification: Likely benign for Cryopyrin associated periodic syndrome. Last evaluated: 2025-07-25. Review status: criteria provided, single submitter. Criteria: Invitae Variant Classification Sherloc (09022015). Collection method: clinical testing. Allele origin: germline.

PreventionGenetics, part of Exact Sciences
Classification: Likely benign for NLRP3-related condition. Last evaluated: 2024-10-20. Review status: criteria provided, single submitter. Criteria: ACMG Guidelines, 2015. Collection method: clinical testing. Allele origin: germline.
Comment: This variant is classified as likely benign based on ACMG/AMP sequence variant interpretation guidelines (Richards et al. 2015 PMID: 25741868, with internal and published modifications).

Unité médicale des maladies autoinflammatoires, CHRU Montpellier
No classification provided. Condition: Familial cold urticaria. Review status: no classification provided. Collection method: not provided. Allele origin: unknown. Not counted in ClinVar's aggregate classification.
Comment: also involved in OMIM 191900 and 607115

NM_001243133.2(NLRP3):c.699G>A (p.Leu233=)

Gene: NLRP3 (NLR family pyrin domain containing 3; plus strand). Cytogenetic location: 1q44.
Variant type: single nucleotide variant.
Coding change: c.699G>A on transcript NM_001243133.2 (MANE Select); coding-DNA position 699, G replaced by A.
Protein change: p.Leu233=; no amino-acid change (leucine 233 retained).
Molecular consequence: synonymous variant.
Genome position (GRCh38, 1-based): chr1:247,424,148, G>A. VCF-style: chr1-247424148-G-A. GRCh37 (hg19) VCF-style: chr1-247587450-G-A.
Other names: c.699G>A, p.Leu233= (NM_001079821.3, NM_001127461.3, NM_001127462.3 and 1 more transcripts); c.705G>A, p.Leu235= (NM_004895.5); c.705G>A (NM_004895.4).
Identifiers: ClinVar variation 97967 (VCV000097967.6), dbSNP rs180177498, ClinGen allele CA281343.